The following is an entry in ClinVar:

NM_148919.4(PSMB8):c.220A>T (p.Thr74Ser)

Gene: PSMB8 (proteasome 20S subunit beta 8; minus strand). Cytogenetic location: 6p21.32.
Variant type: single nucleotide variant.
Coding change: c.220A>T on transcript NM_148919.4 (MANE Select); coding-DNA position 220, A replaced by T.
Protein change: p.Thr74Ser; replaces threonine 74 with serine.
Molecular consequence: missense variant.
Genome position (GRCh38, 1-based): chr6:32,843,017, T>A on the plus strand (A>T on the coding strand, the complement: PSMB8 is on the minus strand). VCF-style: chr6-32843017-T-A. GRCh37 (hg19) VCF-style: chr6-32810794-T-A.
Other names: p.Thr74Ser; c.208A>T, p.Thr70Ser (NM_004159.5, LRG_1328t2); c.220A>T, p.Thr74Ser (LRG_1328t1); short protein forms T70S, T74S.
Identifiers: ClinVar variation 465420 (VCV000465420.48), dbSNP rs17220206, ClinGen allele CA3746460.

ClinVar aggregate classification (germline): Benign/Likely benign. Review status: criteria provided, multiple submitters, no conflicts (2 of 4 stars). 8 submissions from 8 submitters: Benign (4); Likely benign (2). 2 of the submissions do not count toward it. Last evaluated 2026-02-02.

Conditions:
Autoinflammatory syndrome. Identifiers: Orphanet 93665, MedGen C3890737, MONDO:0019751.
Proteosome-associated autoinflammatory syndrome. Also called: Proteasome-associated autoinflammatory syndrome. Identifiers: Orphanet 324977, MedGen C1850568, MONDO:0009726.
Proteasome-associated autoinflammatory syndrome 1 (PRAAS1). Also called: Nakajo syndrome; JOINT CONTRACTURES, MUSCULAR ATROPHY, MICROCYTIC ANEMIA, AND PANNICULITIS-INDUCED LIPODYSTROPHY; JMP SYNDROME; AUTOINFLAMMATION, LIPODYSTROPHY, AND DERMATOSIS SYNDROME; NAKAJO-NISHIMURA SYNDROME; CHRONIC ATYPICAL NEUTROPHILIC DERMATOSIS WITH LIPODYSTROPHY AND ELEVATED TEMPERATURE SYNDROME. Identifiers: Orphanet 2615, Orphanet 324977, Orphanet 324999, Orphanet 325004, MedGen C4746851, MONDO:0054698, OMIM 256040.

Allele frequency attached by ClinVar (database versions not stated): 1000 Genomes Project 0.00839; ESP Exome Variant Server 0.00924; 1000 Genomes Project 30x 0.00953; gnomAD 0.00752 and 0.00770; TOPMed 0.00805.

Submissions (8):

Labcorp Genetics (formerly Invitae), Labcorp
Classification: Benign for Proteosome-associated autoinflammatory syndrome. Last evaluated: 2026-02-02. Review status: criteria provided, single submitter. Criteria: Invitae Variant Classification Sherloc (09022015). Collection method: clinical testing. Allele origin: germline.

CeGaT Center for Human Genetics Tuebingen
Classification: Likely benign. Last evaluated: 2025-11-01. Review status: criteria provided, single submitter. Criteria: CeGaT Center For Human Genetics Tuebingen Variant Classification Criteria Version 2. Collection method: clinical testing. Allele origin: germline. Affected: yes. Observed: 11 variant alleles.
Comment: PSMB8: PM5, BS1, BS2

Blueprint Genetics
Classification: Likely benign. Last evaluated: 2024-11-26. Review status: criteria provided, single submitter. Criteria: ACMG Guidelines, 2015. Collection method: clinical testing. Allele origin: germline.

Genome Diagnostics Laboratory, The Hospital for Sick Children
Classification: Benign for Autoinflammatory syndrome. Last evaluated: 2022-01-29. Review status: criteria provided, single submitter. Criteria: ACMG Guidelines, 2015. Collection method: clinical testing. Allele origin: germline. Affected: yes.

Mayo Clinic Laboratories, Mayo Clinic
Classification: Benign. Last evaluated: 2020-03-31. Review status: criteria provided, single submitter. Criteria: ACMG Guidelines, 2015. Collection method: clinical testing. Allele origin: germline. Observed: 16 variant alleles.

Illumina Laboratory Services, Illumina
Classification: Benign for Proteasome-associated autoinflammatory syndrome 1. Last evaluated: 2017-04-27. Review status: criteria provided, single submitter. Criteria: ICSL Variant Classification Criteria 13 December 2019. Collection method: clinical testing. Allele origin: germline.
Comment: This variant was observed as part of a predisposition screen in an ostensibly healthy population. A literature search was performed for the gene, cDNA change, and amino acid change (where applicable). No publications were found based on this search. Allele frequency data from public databases was too high to be consistent with this variant causing disease. Therefore, this variant is classified as benign.

Diagnostic Laboratory, Department of Genetics, University Medical Center Groningen
Classification: Benign. Review status: no assertion criteria provided. Collection method: clinical testing. Allele origin: germline. Affected: yes. Study: VKGL Data-share Consensus. Not counted in ClinVar's aggregate classification.

Laboratory of Diagnostic Genome Analysis, Leiden University Medical Center (LUMC)
Classification: Likely benign. Review status: no assertion criteria provided. Collection method: clinical testing. Allele origin: germline. Affected: yes. Study: VKGL Data-share Consensus. Not counted in ClinVar's aggregate classification.